The following is an entry in ClinVar:

ClinVar aggregate classification (germline): Likely pathogenic (1 of 4 stars; one submission).

Conditions:
Autosomal recessive spastic paraplegia type 76. Identifiers: Orphanet 488594, MedGen C5567483, MONDO:0014827, OMIM 616907.

Submission:

Genetic Foundation of Khorasan Razavi (GFKR)
Classification: Likely pathogenic for Autosomal recessive spastic paraplegia type 76. Review status: criteria provided, single submitter. Criteria: ACMG Guidelines, 2015. Collection method: clinical testing. Allele origin: inherited. Inheritance: Autosomal recessive inheritance. Affected: yes. Observed: 1 homozygote.
Comment: This stop-gain variant( p.Leu566*) is expected to result in nonsense-mediated decay or a severely truncated protein. Loss of function is a well-established disease mechanism for this gene, supporting pathogenicity. The variant is absent or very rare from population databases, consistent with the rarity expected for a pathogenic allele. Taken together, these findings support a pathogenic classification according to ACMG/AMP guidelines.

NM_005186.4(CAPN1):c.1697T>A (p.Leu566Ter)

Gene: CAPN1 (calpain 1; plus strand). Cytogenetic location: 11q13.1.
Variant type: single nucleotide variant.
Coding change: c.1697T>A on transcript NM_005186.4 (MANE Select); coding-DNA position 1697, T replaced by A.
Protein change: p.Leu566Ter; replaces leucine 566 with a stop codon.
Molecular consequence: nonsense. On other transcripts: non-coding transcript variant (1).
Genome position (GRCh38, 1-based): chr11:65,208,230, T>A. VCF-style: chr11-65208230-T-A. GRCh37 (hg19) VCF-style: chr11-64975701-T-A.
Other names: c.1697T>A, p.Leu566Ter (NM_001198868.2, NM_001198869.2); short protein forms L566*.
Identifiers: ClinVar variation 4537454 (VCV004537454.1).